The following is an entry in ClinVar:

NM_006302.3(MOGS):c.2021G>T (p.Arg674Leu)

Gene: MOGS (mannosyl-oligosaccharide glucosidase; minus strand). Cytogenetic location: 2p13.1.
Variant type: single nucleotide variant.
Coding change: c.2021G>T on transcript NM_006302.3 (MANE Select); coding-DNA position 2021, G replaced by T.
Protein change: p.Arg674Leu; replaces arginine 674 with leucine.
Molecular consequence: missense variant.
Genome position (GRCh38, 1-based): chr2:74,461,768, C>A on the plus strand (G>T on the coding strand, the complement: MOGS is on the minus strand). VCF-style: chr2-74461768-C-A. GRCh37 (hg19) VCF-style: chr2-74688895-C-A.
Other names: c.1703G>T, p.Arg568Leu (NM_001146158.2); short protein forms R568L, R674L.
Identifiers: ClinVar variation 967442 (VCV000967442.10), dbSNP rs200966949, ClinGen allele CA347368494.

ClinVar aggregate classification (germline): Uncertain significance (1 of 4 stars; one submission).

Conditions:
MOGS-congenital disorder of glycosylation. Also called: CDG IIb; CDG 2B; MOGS-CDG; GLUCOSIDASE I DEFICIENCY. Identifiers: Orphanet 79330, MedGen C1853736, MONDO:0011629, OMIM 606056.

Submission:

Labcorp Genetics (formerly Invitae), Labcorp
Classification: Uncertain significance for MOGS-congenital disorder of glycosylation. Last evaluated: 2019-10-08. Review status: criteria provided, single submitter. Criteria: Invitae Variant Classification Sherloc (09022015). Collection method: clinical testing. Allele origin: germline.
Comment: In summary, the available evidence is currently insufficient to determine the role of this variant in disease. Therefore, it has been classified as a Variant of Uncertain Significance. Algorithms developed to predict the effect of missense changes on protein structure and function are either unavailable or do not agree on the potential impact of this missense change (SIFT: "Deleterious"; PolyPhen-2: "Probably Damaging"; Align-GVGD: "Class C0"). This variant has not been reported in the literature in individuals with MOGS-related conditions. This variant is not present in population databases (ExAC no frequency). This sequence change replaces arginine with leucine at codon 674 of the MOGS protein (p.Arg674Leu). The arginine residue is highly conserved and there is a moderate physicochemical difference between arginine and leucine.